The following is an entry in ClinVar:

ClinVar aggregate classification (germline): Likely benign. Review status: criteria provided, single submitter (1 of 4 stars). 2 submissions from 2 submitters: Likely benign (1). 1 of the submissions does not count toward it. Last evaluated 2026-02-04.

Conditions:
MCPH1-related disorder. Also called: MCPH1-related condition.

gnomAD v4.1: 215 of 1,612,660 alleles (0.013%); highest among the groups gnomAD compares: Non-Finnish European, 0.017%; no homozygotes.

Submissions (2):

Labcorp Genetics (formerly Invitae), Labcorp
Classification: Likely benign. Last evaluated: 2026-02-04. Review status: criteria provided, single submitter. Criteria: Invitae Variant Classification Sherloc (09022015). Collection method: clinical testing. Allele origin: germline.

PreventionGenetics, part of Exact Sciences
Classification: Likely benign for MCPH1-related condition. Last evaluated: 2019-03-21. Review status: no assertion criteria provided. Collection method: clinical testing. Allele origin: germline. Not counted in ClinVar's aggregate classification.
Comment: This variant is classified as likely benign based on ACMG/AMP sequence variant interpretation guidelines (Richards et al. 2015 PMID: 25741868, with internal and published modifications).

NM_024596.5(MCPH1):c.233+8G>T

Gene: MCPH1 (microcephalin 1; plus strand). Cytogenetic location: 8p23.1.
Variant type: single nucleotide variant.
Coding change: c.233+8G>T on transcript NM_024596.5 (MANE Select); 8 bases into the intron after coding-DNA position 233, G replaced by T.
Molecular consequence: intron variant.
Genome position (GRCh38, 1-based): chr8:6,414,891, G>T. VCF-style: chr8-6414891-G-T. GRCh37 (hg19) VCF-style: chr8-6272412-G-T.
Other names: c.233+8G>T (NM_001322042.2, NM_001363980.2, NM_001363979.1 and 3 more transcripts); c.227+8G>T (NM_001322043.2); c.131+8G>T (NM_001322045.2).
Identifiers: ClinVar variation 2188006 (VCV002188006.6), dbSNP rs201218110, ClinGen allele CA4610116.
Genomic context (GRCh38, chr8:6,414,891, plus strand): 5'-GACAAAGCTCAGAAGAGAGGCGTAAAGCTCGTTTCGGTGCTCTGGGTGGAAAAGTAAGCA[G>T]TTTCTCTCTTACTTTTTTTCCTTAAGTATCTAGTATTGAAAATGTGTGGAGATATTTTTC-3'